The following is an entry in ClinVar:

ClinVar aggregate classification (germline): Uncertain significance (1 of 4 stars; one submission).

Conditions:
Cardiovascular phenotype. Identifiers: MedGen CN230736.

Allele frequency attached by ClinVar (database versions not stated): ExAC 0.00001; gnomAD exomes 0.00001.
gnomAD v4.1: 8 of 1,612,782 alleles (0.0005%); highest among the groups gnomAD compares: Admixed American, 0.005%; no homozygotes.

Submission:

Ambry Genetics
Classification: Uncertain significance for Cardiovascular phenotype. Last evaluated: 2020-02-18. Review status: criteria provided, single submitter. Criteria: Ambry Variant Classification Scheme 2023. Collection method: clinical testing. Allele origin: germline.
Comment: The p.C7303R variant (also known as c.21907T>C), located in coding exon 89 of the TTN gene, results from a T to C substitution at nucleotide position 21907. The cysteine at codon 7303 is replaced by arginine, an amino acid with highly dissimilar properties. This amino acid position is highly conserved in available vertebrate species. In addition, the in silico prediction for this alteration is inconclusive. Since supporting evidence is limited at this time, the clinical significance of this alteration remains unclear.

NM_001267550.2(TTN):c.49102T>C (p.Cys16368Arg)

Genes: TTN (titin; minus strand), TTN-AS1 (TTN antisense RNA 1; plus strand), LOC126806426 (BRD4-independent group 4 enhancer GRCh37_chr2:179478848-179480047; plus strand). Cytogenetic location: 2q31.2.
Variant type: single nucleotide variant.
Coding change: c.49102T>C on transcript NM_001267550.2 (MANE Select); coding-DNA position 49102, T replaced by C.
Protein change: p.Cys16368Arg; replaces cysteine 16368 with arginine.
Molecular consequence: missense variant. On other transcripts: non-coding transcript variant (1).
Genome position (GRCh38, 1-based): chr2:178,614,295, A>G on the plus strand (T>C on the coding strand, the complement: TTN is on the minus strand). VCF-style: chr2-178614295-A-G. GRCh37 (hg19) VCF-style: chr2-179479022-A-G.
Other names: c.44179T>C, p.Cys14727Arg (NM_001256850.1); c.21907T>C, p.Cys7303Arg (NM_003319.4); c.41398T>C, p.Cys13800Arg (NM_133378.4); c.22282T>C, p.Cys7428Arg (NM_133432.3); c.22483T>C, p.Cys7495Arg (NM_133437.4); short protein forms C16368R, C13800R, C7303R, C14727R, C7428R, C7495R.
Identifiers: ClinVar variation 1787409 (VCV001787409.2), dbSNP rs747260539, ClinGen allele CA1994672.